The following is an entry in ClinVar:

ClinVar aggregate classification (germline): Uncertain significance. Review status: criteria provided, multiple submitters, no conflicts (2 of 4 stars). 3 submissions from 3 submitters: Uncertain significance (3). Last evaluated 2024-10-16.

Conditions:
Retinitis pigmentosa (RP). Identifiers: Orphanet 791, MedGen C0035334, MeSH D012174, MONDO:0019200, OMIM 268000. Inheritance: Autosomal dominant, autosomal recessive and X linked inheritance.

Allele frequency attached by ClinVar (database versions not stated): gnomAD 0.00003 and 0.00004; gnomAD exomes 0.00004; ExAC 0.00005; TOPMed 0.00005.
gnomAD v4.1: 84 of 1,614,056 alleles (0.0052%); highest among the groups gnomAD compares: Non-Finnish European, 0.0068%; 1 homozygote.

Submissions (3):

Blueprint Genetics
Classification: Uncertain significance. Last evaluated: 2024-10-16. Review status: criteria provided, single submitter. Criteria: ACMG Guidelines, 2015. Collection method: clinical testing. Allele origin: germline.

Labcorp Genetics (formerly Invitae), Labcorp
Classification: Uncertain significance. Last evaluated: 2024-04-05. Review status: criteria provided, single submitter. Criteria: Invitae Variant Classification Sherloc (09022015). Collection method: clinical testing. Allele origin: germline.
Comment: This sequence change replaces proline, which is neutral and non-polar, with serine, which is neutral and polar, at codon 669 of the SNRNP200 protein (p.Pro669Ser). This variant is present in population databases (rs749791210, gnomAD 0.007%). This variant has not been reported in the literature in individuals affected with SNRNP200-related conditions. ClinVar contains an entry for this variant (Variation ID: 897978). Advanced modeling of protein sequence and biophysical properties (such as structural, functional, and spatial information, amino acid conservation, physicochemical variation, residue mobility, and thermodynamic stability) performed at Invitae indicates that this missense variant is not expected to disrupt SNRNP200 protein function with a negative predictive value of 80%. In summary, the available evidence is currently insufficient to determine the role of this variant in disease. Therefore, it has been classified as a Variant of Uncertain Significance.

Illumina Laboratory Services, Illumina
Classification: Uncertain significance for Retinitis pigmentosa. Last evaluated: 2018-01-12. Review status: criteria provided, single submitter. Criteria: ICSL Variant Classification Criteria 13 December 2019. Collection method: clinical testing. Allele origin: germline.

NM_014014.5(SNRNP200):c.2005C>T (p.Pro669Ser)

Gene: SNRNP200 (small nuclear ribonucleoprotein U5 subunit 200; minus strand). Cytogenetic location: 2q11.2.
Variant type: single nucleotide variant.
Coding change: c.2005C>T on transcript NM_014014.5 (MANE Select); coding-DNA position 2005, C replaced by T.
Protein change: p.Pro669Ser; replaces proline 669 with serine.
Molecular consequence: missense variant.
Genome position (GRCh38, 1-based): chr2:96,293,347, G>A on the plus strand (C>T on the coding strand, the complement: SNRNP200 is on the minus strand). VCF-style: chr2-96293347-G-A. GRCh37 (hg19) VCF-style: chr2-96959085-G-A.
Other names: short protein forms P669S.
Identifiers: ClinVar variation 897978 (VCV000897978.15), dbSNP rs749791210, ClinGen allele CA1778795.
Genomic context (GRCh38, chr2:96,293,347, plus strand): 5'-GCAGAACTTTGCCCAGTCTTTCCTGATACCTGTTGTCAAAGTAAAAGAGACCCTTGGCAG[G>A]GTCAACACGTAGAAAGGTGGCTACATCTTCATAGTTGGGTAGGGTGGCACTGAGACCAAT-3'
Protein context (NP_054733.2, residues 659-679): EDVATFLRVD[Pro669Ser]AKGLFYFDNS